The following is an entry in ClinVar:

ClinVar aggregate classification (germline): Pathogenic (1 of 4 stars; one submission).

Conditions:
Hyperkalemic periodic paralysis. Also called: Familial hyperkalemic periodic paralysis; Gamstorp disease. Identifiers: Orphanet 682, MedGen C0238357, MONDO:0008224, OMIM 170500, HP:0007215.

Allele frequency attached by ClinVar (database versions not stated): TOPMed below 0.00001; gnomAD 0.00001; gnomAD exomes 0.00001.

Submission:

Labcorp Genetics (formerly Invitae), Labcorp
Classification: Pathogenic for Hyperkalemic periodic paralysis. Last evaluated: 2024-10-29. Review status: criteria provided, single submitter. Criteria: Invitae Variant Classification Sherloc (09022015). Collection method: clinical testing. Allele origin: germline.
Comment: This sequence change creates a premature translational stop signal (p.Arg417*) in the SCN4A gene. It is expected to result in an absent or disrupted protein product. Loss-of-function variants in SCN4A are known to be pathogenic (PMID: 26700687). The frequency data for this variant in the population databases is considered unreliable, as metrics indicate poor data quality at this position in the gnomAD database. This variant has not been reported in the literature in individuals affected with SCN4A-related conditions. ClinVar contains an entry for this variant (Variation ID: 1458366). For these reasons, this variant has been classified as Pathogenic.

Literature cited by the submitters: PubMed 26700687.

NM_000334.4(SCN4A):c.1249C>T (p.Arg417Ter)

Gene: SCN4A (sodium voltage-gated channel alpha subunit 4; minus strand). Cytogenetic location: 17q23.3.
Variant type: single nucleotide variant.
Coding change: c.1249C>T on transcript NM_000334.4 (MANE Select); coding-DNA position 1249, C replaced by T.
Protein change: p.Arg417Ter; replaces arginine 417 with a stop codon.
Molecular consequence: nonsense.
Genome position (GRCh38, 1-based): chr17:63,964,671, G>A on the plus strand (C>T on the coding strand, the complement: SCN4A is on the minus strand). VCF-style: chr17-63964671-G-A. GRCh37 (hg19) VCF-style: chr17-62042031-G-A.
Other names: short protein forms R417*.
Identifiers: ClinVar variation 1458366 (VCV001458366.6), dbSNP rs943370469, ClinGen allele CA292971029.
Genomic context (GRCh38, chr17:63,964,671, plus strand): 5'-AGAAAGAGCCCAGGAAGATGATGACCACGAAGAAGATCATGTAGGTCTTGCCAGCTGCTC[G>A]AAGGGTCTGGGAGTGGAGGGAGAGGGAGTGGAGGGGTCCCATGACGTCCACCTCCTTTGA-3'